The following is an entry in ClinVar:

NM_000219.6(KCNE1):c.319T>A (p.Tyr107Asn)

Gene: KCNE1 (potassium voltage-gated channel subfamily E regulatory subunit 1; minus strand). Cytogenetic location: 21q22.12.
Variant type: single nucleotide variant.
Coding change: c.319T>A on transcript NM_000219.6 (MANE Select); coding-DNA position 319, T replaced by A.
Protein change: p.Tyr107Asn; replaces tyrosine 107 with asparagine.
Molecular consequence: missense variant.
Genome position (GRCh38, 1-based): chr21:34,449,316, A>T on the plus strand (T>A on the coding strand, the complement: KCNE1 is on the minus strand). VCF-style: chr21-34449316-A-T. GRCh37 (hg19) VCF-style: chr21-35821614-A-T.
Other names: c.319T>A, p.Tyr107Asn (NM_001127668.4, NM_001127669.4, NM_001127670.4 and 4 more transcripts); short protein forms Y107N.
Identifiers: ClinVar variation 3374626 (VCV003374626.2).

Conditions:
Long QT syndrome 5 (LQT5). Identifiers: Orphanet 101016, Orphanet 768, MedGen C1867904, MONDO:0013372, OMIM 613695.

Submission:

Roden Lab, Vanderbilt University Medical Center
No classification provided (evidence only). Condition: Long QT syndrome 5. Review status: no classification provided. Collection method: in vitro. Allele origin: not applicable. Functional consequence: Effect on ion channel function.
ClinVar note: "not provided" was previously submitted as the classification for the variant. However, the classification appeared to be based only on an observation of functional data so it was converted to no classification on 2025-07-30.